The following is an entry in ClinVar:

ClinVar aggregate classification (germline): Likely benign (0 of 4 stars; one submission).

Conditions:
CHL1-related disorder. Also called: CHL1-related condition.

Allele frequency attached by ClinVar (database versions not stated): gnomAD exomes 0.00003; ExAC 0.00011; 1000 Genomes Project 30x 0.00016; 1000 Genomes Project 0.00020; gnomAD 0.00024; TOPMed 0.00037; ESP Exome Variant Server 0.00062.
gnomAD v4.1: 83 of 1,614,138 alleles (0.0051%); highest among the groups gnomAD compares: African/African-American, 0.088%; no homozygotes.

Submission:

PreventionGenetics, part of Exact Sciences
Classification: Likely benign for CHL1-related condition. Last evaluated: 2019-04-08. Review status: no assertion criteria provided. Collection method: clinical testing. Allele origin: germline.
Comment: This variant is classified as likely benign based on ACMG/AMP sequence variant interpretation guidelines (Richards et al. 2015 PMID: 25741868, with internal and published modifications).

NM_006614.4(CHL1):c.2655A>G (p.Arg885=)

Gene: CHL1 (cell adhesion molecule L1 like; plus strand). Cytogenetic location: 3p26.3.
Variant type: single nucleotide variant.
Coding change: c.2655A>G on transcript NM_006614.4 (MANE Select); coding-DNA position 2655, A replaced by G.
Protein change: p.Arg885=; no amino-acid change (arginine 885 retained).
Molecular consequence: synonymous variant.
Genome position (GRCh38, 1-based): chr3:391,023, A>G. VCF-style: chr3-391023-A-G. GRCh37 (hg19) VCF-style: chr3-432706-A-G.
Other names: c.2607A>G, p.Arg869= (NM_001253387.2); c.2655A>G, p.Arg885= (NM_001253388.1).
Identifiers: ClinVar variation 3058068 (VCV003058068.2), dbSNP rs142000301, ClinGen allele CA2225206.